The following is an entry in ClinVar:

ClinVar aggregate classification (germline): Uncertain significance (1 of 4 stars; one submission).

Conditions:
Inborn genetic diseases. Identifiers: MedGen C0950123, MeSH D030342.

gnomAD v4.1: 8 of 1,614,038 alleles (0.0005%); highest among the groups gnomAD compares: Non-Finnish European, 0.00068%; no homozygotes.

Submission:

Ambry Genetics
Classification: Uncertain significance for Inborn genetic diseases. Last evaluated: 2024-11-18. Review status: criteria provided, single submitter. Criteria: Ambry Variant Classification Scheme 2023. Collection method: clinical testing. Allele origin: germline.
Comment: The p.C321R variant (also known as c.961T>C), located in coding exon 6 of the MECOM gene, results from a T to C substitution at nucleotide position 961. The cysteine at codon 321 is replaced by arginine, an amino acid with highly dissimilar properties. This amino acid position is conserved. In addition, this alteration is predicted to be deleterious by in silico analysis. Based on the available evidence, the clinical significance of this variant remains unclear.

NM_004991.4(MECOM):c.961T>C (p.Cys321Arg)

Gene: MECOM (MDS1 and EVI1 complex locus; minus strand). Cytogenetic location: 3q26.2.
Variant type: single nucleotide variant.
Coding change: c.961T>C on transcript NM_004991.4 (MANE Select); coding-DNA position 961, T replaced by C.
Protein change: p.Cys321Arg; replaces cysteine 321 with arginine.
Molecular consequence: missense variant.
Genome position (GRCh38, 1-based): chr3:169,122,597, A>G on the plus strand (T>C on the coding strand, the complement: MECOM is on the minus strand). VCF-style: chr3-169122597-A-G. GRCh37 (hg19) VCF-style: chr3-168840385-A-G.
Other names: c.589T>C, p.Cys197Arg (NM_001105077.4); c.397T>C, p.Cys133Arg (NM_001105078.4, NM_001163999.2, NM_001164000.2 and 9 more transcripts); c.961T>C, p.Cys321Arg (NM_001366466.2, NM_001366473.2); short protein forms C197R, C321R, C133R.
Identifiers: ClinVar variation 3394252 (VCV003394252.1).